The following is an entry in ClinVar:

ClinVar aggregate classification (germline): Uncertain significance. Review status: criteria provided, multiple submitters, no conflicts (2 of 4 stars). 2 submissions from 2 submitters: Uncertain significance (2). Last evaluated 2024-10-09.

Conditions:
Inborn genetic diseases. Identifiers: MedGen C0950123, MeSH D030342.
Congenital myasthenic syndrome 8. Also called: MYASTHENIC SYNDROME, CONGENITAL, DUE TO AGRIN DEFICIENCY; Myasthenic syndrome, congenital, 8, with pre- and postsynaptic defects. Identifiers: Orphanet 590, MedGen C3808739, MONDO:0014052, OMIM 615120.

Allele frequency attached by ClinVar (database versions not stated): gnomAD 0.00002; gnomAD exomes 0.00001; TOPMed 0.00002.
gnomAD v4.1: 22 of 1,566,740 alleles (0.0014%); highest among the groups gnomAD compares: Non-Finnish European, 0.0016%; no homozygotes.

Submissions (2):

Ambry Genetics
Classification: Uncertain significance for Inborn genetic diseases. Last evaluated: 2024-10-09. Review status: criteria provided, single submitter. Criteria: Ambry Variant Classification Scheme 2023. Collection method: clinical testing. Allele origin: germline.

Labcorp Genetics (formerly Invitae), Labcorp
Classification: Uncertain significance for Congenital myasthenic syndrome 8. Last evaluated: 2020-01-27. Review status: criteria provided, single submitter. Criteria: Invitae Variant Classification Sherloc (09022015). Collection method: clinical testing. Allele origin: germline.
Comment: In summary, the available evidence is currently insufficient to determine the role of this variant in disease. Therefore, it has been classified as a Variant of Uncertain Significance. Algorithms developed to predict the effect of missense changes on protein structure and function output the following: SIFT: "Tolerated"; PolyPhen-2: "Benign"; Align-GVGD: "Class C0". The isoleucine amino acid residue is found in multiple mammalian species, suggesting that this missense change does not adversely affect protein function. These predictions have not been confirmed by published functional studies and their clinical significance is uncertain. This variant has not been reported in the literature in individuals with AGRN-related conditions. The frequency data for this variant in the population databases is considered unreliable, as metrics indicate insufficient coverage at this position in the ExAC database. This sequence change replaces valine with isoleucine at codon 1810 of the AGRN protein (p.Val1810Ile). The valine residue is moderately conserved and there is a small physicochemical difference between valine and isoleucine.

NM_198576.4(AGRN):c.5428G>A (p.Val1810Ile)

Gene: AGRN (agrin; plus strand). Cytogenetic location: 1p36.33.
Variant type: single nucleotide variant.
Coding change: c.5428G>A on transcript NM_198576.4 (MANE Select); coding-DNA position 5428, G replaced by A.
Protein change: p.Val1810Ile; replaces valine 1810 with isoleucine.
Molecular consequence: missense variant.
Genome position (GRCh38, 1-based): chr1:1,051,510, G>A. VCF-style: chr1-1051510-G-A. GRCh37 (hg19) VCF-style: chr1-986890-G-A.
Other names: c.5440G>A, p.Val1814Ile (NM_001305275.2); c.5125G>A, p.Val1709Ile (NM_001364727.2); short protein forms V1810I, V1814I, V1709I.
Identifiers: ClinVar variation 965847 (VCV000965847.8), dbSNP rs375518121, ClinGen allele CA16702423.